The following is an entry in ClinVar:

NM_002778.4(PSAP):c.1198G>A (p.Val400Met)

Gene: PSAP (prosaposin; minus strand). Cytogenetic location: 10q22.1.
Variant type: single nucleotide variant.
Coding change: c.1198G>A on transcript NM_002778.4 (MANE Select); coding-DNA position 1198, G replaced by A.
Protein change: p.Val400Met; replaces valine 400 with methionine.
Molecular consequence: missense variant.
Genome position (GRCh38, 1-based): chr10:71,819,617, C>T on the plus strand (G>A on the coding strand, the complement: PSAP is on the minus strand). VCF-style: chr10-71819617-C-T. GRCh37 (hg19) VCF-style: chr10-73579374-C-T.
Other names: c.1207G>A, p.Val403Met (NM_001042465.3); c.1204G>A, p.Val402Met (NM_001042466.3); short protein forms V400M, V402M, V403M.
Identifiers: ClinVar variation 2157300 (VCV002157300.3), dbSNP rs1210917733, ClinGen allele CA377143828.

ClinVar aggregate classification (germline): Uncertain significance (1 of 4 stars; one submission).

Conditions:
Sphingolipid activator protein 1 deficiency. Also called: METACHROMATIC LEUKODYSTROPHY DUE TO CEREBROSIDE SULFATASE ACTIVATOR DEFICIENCY; Metachromatic leukodystrophy due to saposin B deficiency; Saposin B Deficiency. Identifiers: Orphanet 512, MedGen C0268262, MONDO:0009590, OMIM 249900.

Allele frequency attached by ClinVar (database versions not stated): gnomAD exomes below 0.00001.

Submission:

Labcorp Genetics (formerly Invitae), Labcorp
Classification: Uncertain significance for Sphingolipid activator protein 1 deficiency. Last evaluated: 2024-10-15. Review status: criteria provided, single submitter. Criteria: Invitae Variant Classification Sherloc (09022015). Collection method: clinical testing. Allele origin: germline.
Comment: This sequence change replaces valine, which is neutral and non-polar, with methionine, which is neutral and non-polar, at codon 400 of the PSAP protein (p.Val400Met). This variant is present in population databases (no rsID available, gnomAD 0.009%). This variant has not been reported in the literature in individuals affected with PSAP-related conditions. ClinVar contains an entry for this variant (Variation ID: 2157300). Invitae Evidence Modeling of protein sequence and biophysical properties (such as structural, functional, and spatial information, amino acid conservation, physicochemical variation, residue mobility, and thermodynamic stability) indicates that this missense variant is not expected to disrupt PSAP protein function with a negative predictive value of 95%. In summary, the available evidence is currently insufficient to determine the role of this variant in disease. Therefore, it has been classified as a Variant of Uncertain Significance.